The following is an entry in ClinVar:

ClinVar aggregate classification (germline): Uncertain significance (1 of 4 stars; one submission).

Conditions:
Cenani-Lenz syndactyly syndrome. Also called: SYNDACTYLY, TYPE VII; CENANI SYNDACTYLISM. Identifiers: Orphanet 3258, MedGen C1859309, MONDO:0008931, OMIM 212780.
Sclerosteosis 2 (SOST2). Identifiers: Orphanet 3152, MedGen C3280402, MONDO:0013679, OMIM 614305.
Congenital myasthenic syndrome 17. Identifiers: Orphanet 590, MedGen C4225377, MONDO:0014578, OMIM 616304.

Submission:

Labcorp Genetics (formerly Invitae), Labcorp
Classification: Uncertain significance for Cenani-Lenz syndactyly syndrome; Sclerosteosis 2; Congenital myasthenic syndrome 17. Last evaluated: 2022-08-16. Review status: criteria provided, single submitter. Criteria: Invitae Variant Classification Sherloc (09022015). Collection method: clinical testing. Allele origin: germline.
Comment: In summary, the available evidence is currently insufficient to determine the role of this variant in disease. Therefore, it has been classified as a Variant of Uncertain Significance. This variant has not been reported in the literature in individuals affected with LRP4-related conditions. ClinVar contains an entry for this variant (Variation ID: 1501981). Algorithms developed to predict the effect of missense changes on protein structure and function are either unavailable or do not agree on the potential impact of this missense change (SIFT: "Deleterious"; PolyPhen-2: "Benign"; Align-GVGD: "Class C0"). This sequence change replaces histidine, which is basic and polar, with tyrosine, which is neutral and polar, at codon 228 of the LRP4 protein (p.His228Tyr). This variant is not present in population databases (gnomAD no frequency).

NM_002334.4(LRP4):c.682C>T (p.His228Tyr)

Gene: LRP4 (LDL receptor related protein 4; minus strand). Cytogenetic location: 11p11.2.
Variant type: single nucleotide variant.
Coding change: c.682C>T on transcript NM_002334.4 (MANE Select); coding-DNA position 682, C replaced by T.
Protein change: p.His228Tyr; replaces histidine 228 with tyrosine.
Molecular consequence: missense variant.
Genome position (GRCh38, 1-based): chr11:46,898,672, G>A on the plus strand (C>T on the coding strand, the complement: LRP4 is on the minus strand). VCF-style: chr11-46898672-G-A. GRCh37 (hg19) VCF-style: chr11-46920223-G-A.
Other names: short protein forms H228Y.
Identifiers: ClinVar variation 1501981 (VCV001501981.5), dbSNP rs2134861515, ClinGen allele CA380289103.